The following is an entry in ClinVar:

ClinVar aggregate classification (germline): Uncertain significance. Review status: criteria provided, multiple submitters, no conflicts (2 of 4 stars). 4 submissions from 4 submitters: Uncertain significance (4). Last evaluated 2024-07-30.

Conditions:
Cardiovascular phenotype. Identifiers: MedGen CN230736.
Autosomal recessive limb-girdle muscular dystrophy type 2J (LGMDR10). Also called: MUSCULAR DYSTROPHY, LIMB-GIRDLE, AUTOSOMAL RECESSIVE 10; Limb-girdle muscular dystrophy, type 2J. Identifiers: Orphanet 140922, MedGen C1837342, MONDO:0012127, OMIM 608807.
Tibial muscular dystrophy (TMD). Also called: Udd Distal Myopathy – Tibial Muscular Dystrophy; UDD MYOPATHY; Tibial muscular dystrophy, tardive. Identifiers: Orphanet 609, MedGen C1838244, MONDO:0010870, OMIM 600334.
Dilated cardiomyopathy 1G (CMD1G). Identifiers: Orphanet 154, MedGen C1858763, MONDO:0011400, OMIM 604145.
Early-onset myopathy with fatal cardiomyopathy (CMYO5). Also called: CONGENITAL MYOPATHY 5 WITH CARDIOMYOPATHY; Salih Myopathy. Identifiers: Orphanet 289377, MedGen C2673677, MONDO:0012714, OMIM 611705. Disease mechanism: loss of function.
Myopathy, myofibrillar, 9, with early respiratory failure (MFM9). Also called: EDSTROM MYOPATHY; MYOPATHY, PROXIMAL, WITH EARLY RESPIRATORY MUSCLE INVOLVEMENT; Hereditary myopathy with early respiratory failure; Myopathy, distal, with early respiratory failure, autosomal dominant. Identifiers: Orphanet 178464, Orphanet 34521, MedGen C1863599, MONDO:0011362, OMIM 603689.
Hypertrophic cardiomyopathy 9. Also called: Familial hypertrophic cardiomyopathy 9. Identifiers: MedGen C1861065, MONDO:0013412, OMIM 613765.

Allele frequency attached by ClinVar (database versions not stated): gnomAD 0.00001; gnomAD exomes 0.00002; 1000 Genomes Project 30x 0.00016; 1000 Genomes Project 0.00020.
gnomAD v4.1: 25 of 1,613,504 alleles (0.0015%); highest among the groups gnomAD compares: East Asian, 0.0045%; no homozygotes.

Submissions (4):

Revvity Omics, Revvity
Classification: Uncertain significance. Last evaluated: 2024-07-30. Review status: criteria provided, single submitter. Criteria: ACMG Guidelines, 2015. Collection method: clinical testing. Allele origin: germline.

Fulgent Genetics
Classification: Uncertain significance for Tibial muscular dystrophy; Myopathy, myofibrillar, 9, with early respiratory failure; Dilated cardiomyopathy 1G; Autosomal recessive limb-girdle muscular dystrophy type 2J; Early-onset myopathy with fatal cardiomyopathy; Hypertrophic cardiomyopathy 9. Last evaluated: 2021-10-18. Review status: criteria provided, single submitter. Criteria: ACMG Guidelines, 2015. Collection method: clinical testing. Allele origin: unknown.

Ambry Genetics
Classification: Uncertain significance for Cardiovascular phenotype. Last evaluated: 2019-01-17. Review status: criteria provided, single submitter. Criteria: Ambry Variant Classification Scheme 2023. Collection method: clinical testing. Allele origin: germline.
Comment: The p.L10792S variant (also known as c.32375T>C), located in coding exon 128 of the TTN gene, results from a T to C substitution at nucleotide position 32375. The leucine at codon 10792 is replaced by serine, an amino acid with dissimilar properties. This amino acid position is highly conserved in available vertebrate species. In addition, the in silico prediction for this alteration is inconclusive. Since supporting evidence is limited at this time, the clinical significance of this alteration remains unclear.

Laboratory for Molecular Medicine, Mass General Brigham Personalized Medicine
Classification: Uncertain significance. Last evaluated: 2015-03-21. Review status: criteria provided, single submitter. Criteria: LMM Criteria. Collection method: clinical testing. Allele origin: germline. Observed: 1 variant allele.
Comment: The p.Leu17289Ser variant in TTN has not been previously reported in individuals with cardiomyopathy, but has been identified in 1/186 of Chinese Dai chromosome s by the 1000 Genomes Project. Computational prediction tools and conservation a nalysis suggest this variant may impact the protein, though this information is not predictive enough to determine pathogenicity. In summary, the clinical signi ficance of the p.Leu17289Ser variant is uncertain.

NM_001267550.2(TTN):c.59570T>C (p.Leu19857Ser)

Genes: TTN (titin; minus strand), TTN-AS1 (TTN antisense RNA 1; plus strand), LOC126806424 (CDK7 strongly-dependent group 2 enhancer GRCh37_chr2:179456337-179457536; plus strand). Cytogenetic location: 2q31.2.
Variant type: single nucleotide variant.
Coding change: c.59570T>C on transcript NM_001267550.2 (MANE Select); coding-DNA position 59570, T replaced by C.
Protein change: p.Leu19857Ser; replaces leucine 19857 with serine.
Molecular consequence: missense variant.
Genome position (GRCh38, 1-based): chr2:178,592,435, A>G on the plus strand (T>C on the coding strand, the complement: TTN is on the minus strand). VCF-style: chr2-178592435-A-G. GRCh37 (hg19) VCF-style: chr2-179457162-A-G.
Other names: c.54647T>C, p.Leu18216Ser (NM_001256850.1); c.32375T>C, p.Leu10792Ser (NM_003319.4); c.32750T>C, p.Leu10917Ser (NM_133432.3); c.32951T>C, p.Leu10984Ser (NM_133437.4); c.51866T>C, p.Leu17289Ser (NM_133378.4); short protein forms L17289S, L19857S, L10917S, L10984S, L10792S, L18216S.
Identifiers: ClinVar variation 229476 (VCV000229476.9), dbSNP rs547180437, ClinGen allele CA10576506.